The following is an entry in ClinVar:

NM_000260.4(MYO7A):c.2102T>A (p.Leu701His)

Gene: MYO7A (myosin VIIA; plus strand). Cytogenetic location: 11q13.5.
Variant type: single nucleotide variant.
Coding change: c.2102T>A on transcript NM_000260.4 (MANE Select); coding-DNA position 2102, T replaced by A.
Protein change: p.Leu701His; replaces leucine 701 with histidine.
Molecular consequence: missense variant.
Genome position (GRCh38, 1-based): chr11:77,175,379, T>A. VCF-style: chr11-77175379-T-A. GRCh37 (hg19) VCF-style: chr11-76886425-T-A.
Other names: c.2102T>A, p.Leu701His (NM_001127180.2); c.2069T>A, p.Leu690His (NM_001369365.1); short protein forms L690H, L701H.
Identifiers: ClinVar variation 1308240 (VCV001308240.4), dbSNP rs782119318, ClinGen allele CA6197705.
Genomic context (GRCh38, chr11:77,175,379, plus strand): 5'-CCTTCCCACTGGAGAGGCTGTCCATTCCCTTGTGTTCCCCATCCTCACTCCAGGGCGACC[T>A]CCGCGGGACTTGCCAGCGCATGGCTGAGGCTGTGCTGGGCACCCACGATGACTGGCAGAT-3'
Protein context (NP_000251.3, residues 691-711): GVKPAYKQGD[Leu701His]RGTCQRMAEA

ClinVar aggregate classification (germline): Uncertain significance. Review status: criteria provided, multiple submitters, no conflicts (2 of 4 stars). 2 submissions from 2 submitters: Uncertain significance (2). Last evaluated 2024-04-27.

Allele frequency attached by ClinVar (database versions not stated): gnomAD exomes below 0.00001; ExAC 0.00001.
gnomAD v4.1: 3 of 1,613,018 alleles (0.00019%); highest among the groups gnomAD compares: South Asian, 0.0022%; no homozygotes.

Submissions (2):

Labcorp Genetics (formerly Invitae), Labcorp
Classification: Uncertain significance. Last evaluated: 2024-04-27. Review status: criteria provided, single submitter. Criteria: Invitae Variant Classification Sherloc (09022015). Collection method: clinical testing. Allele origin: germline.
Comment: This sequence change replaces leucine, which is neutral and non-polar, with histidine, which is basic and polar, at codon 701 of the MYO7A protein (p.Leu701His). This variant is present in population databases (rs782119318, gnomAD 0.003%). This variant has not been reported in the literature in individuals affected with MYO7A-related conditions. ClinVar contains an entry for this variant (Variation ID: 1308240). Advanced modeling of protein sequence and biophysical properties (such as structural, functional, and spatial information, amino acid conservation, physicochemical variation, residue mobility, and thermodynamic stability) performed at Invitae indicates that this missense variant is not expected to disrupt MYO7A protein function with a negative predictive value of 95%. In summary, the available evidence is currently insufficient to determine the role of this variant in disease. Therefore, it has been classified as a Variant of Uncertain Significance.

GeneDx
Classification: Uncertain significance. Last evaluated: 2019-03-22. Review status: criteria provided, single submitter. Criteria: GeneDx Variant Classification Process June 2021. Collection method: clinical testing. Allele origin: germline. Affected: yes.
Comment: Not observed at a significant frequency in large population cohorts (Lek et al., 2016); In silico analysis, which includes protein predictors and evolutionary conservation, supports a deleterious effect; Has not been previously published as pathogenic or benign to our knowledge